The following is an entry in ClinVar:

ClinVar aggregate classification (germline): Pathogenic (1 of 4 stars; one submission).

Submission:

Labcorp Genetics (formerly Invitae), Labcorp
Classification: Pathogenic. Last evaluated: 2023-03-07. Review status: criteria provided, single submitter. Criteria: Invitae Variant Classification Sherloc (09022015). Collection method: clinical testing. Allele origin: germline.
Comment: For these reasons, this variant has been classified as Pathogenic. Algorithms developed to predict the effect of sequence changes on RNA splicing suggest that this variant may disrupt the consensus splice site. This variant has not been reported in the literature in individuals affected with TRIM37-related conditions. This variant is not present in population databases (gnomAD no frequency). This sequence change creates a premature translational stop signal (p.Glu156Aspfs*2) in the TRIM37 gene. It is expected to result in an absent or disrupted protein product. Loss-of-function variants in TRIM37 are known to be pathogenic (PMID: 10888877, 15108285).

Literature cited by the submitters: PubMed 10888877; PubMed 15108285.

NM_015294.6(TRIM37):c.468del (p.Glu156fs)

Gene: TRIM37 (tripartite motif containing 37; minus strand). Cytogenetic location: 17q22.
Variant type: Deletion.
Coding change: c.468del on transcript NM_015294.6 (MANE Select); coding-DNA position 468, one base deleted (A; older notation c.468delA).
Protein change: p.Glu156fs; shifts the reading frame from glutamic acid 156.
Molecular consequence: frameshift variant. On other transcripts: 5 prime UTR variant (1), non-coding transcript variant (2).
Genome position (GRCh38, 1-based): chr17:59,081,121, T deleted on the plus strand (A on the coding strand, the reverse complement: TRIM37 is on the minus strand); the first of 2 consecutive T bases (chr17:59,081,121-59,081,122); deleting either gives the same sequence. VCF-style (leftmost placement, unchanged base first): chr17-59081120-GT-G. GRCh37 (hg19) VCF-style: chr17-57158481-GT-G.
Other names: c.468del, p.Glu156fs (NM_001005207.5, NM_001320988.3, NM_001320989.3 and 2 more transcripts); c.366del, p.Glu122fs (NM_001320987.3, NM_001353082.2); c.102del, p.Glu34fs (NM_001320990.3); c.-285del (NM_001353083.2); c.6del, p.Glu2fs (NM_001353085.2); short protein forms E122fs, E34fs, E156fs, E2fs.
Identifiers: ClinVar variation 2843500 (VCV002843500.3), dbSNP rs2546093863, ClinGen allele CA2739268281.